The following is an entry in ClinVar:

ClinVar aggregate classification (germline): Uncertain significance (1 of 4 stars; one submission).

Submission:

Labcorp Genetics (formerly Invitae), Labcorp
Classification: Uncertain significance. Last evaluated: 2025-11-05. Review status: criteria provided, single submitter. Criteria: Invitae Variant Classification Sherloc (09022015). Collection method: clinical testing. Allele origin: germline.
Comment: This sequence change replaces glutamine, which is neutral and polar, with proline, which is neutral and non-polar, at codon 372 of the AGBL5 protein (p.Gln372Pro). This variant is not present in population databases (gnomAD no frequency). This variant has not been reported in the literature in individuals affected with AGBL5-related conditions. ClinVar contains an entry for this variant (Variation ID: 2108192). An algorithm developed to predict the effect of missense changes on protein structure and function (PolyPhen-2) suggests that this variant is likely to be tolerated. In summary, the available evidence is currently insufficient to determine the role of this variant in disease. Therefore, it has been classified as a Variant of Uncertain Significance.

NM_021831.6(AGBL5):c.1115A>C (p.Gln372Pro)

Gene: AGBL5 (AGBL carboxypeptidase 5; plus strand). Cytogenetic location: 2p23.3.
Variant type: single nucleotide variant.
Coding change: c.1115A>C on transcript NM_021831.6 (MANE Select); coding-DNA position 1115, A replaced by C.
Protein change: p.Gln372Pro; replaces glutamine 372 with proline.
Molecular consequence: missense variant. On other transcripts: non-coding transcript variant (2).
Genome position (GRCh38, 1-based): chr2:27,055,888, A>C. VCF-style: chr2-27055888-A-C. GRCh37 (hg19) VCF-style: chr2-27278756-A-C.
Other names: c.1115A>C, p.Gln372Pro (NM_001035506.1, NM_001035507.3); short protein forms Q372P.
Identifiers: ClinVar variation 2108192 (VCV002108192.4), dbSNP rs201152933, ClinGen allele CA346179229.